The following is an entry in ClinVar:

NM_006231.4(POLE):c.5324C>T (p.Ala1775Val)

Gene: POLE (DNA polymerase epsilon, catalytic subunit; minus strand). Cytogenetic location: 12q24.33.
Variant type: single nucleotide variant.
Coding change: c.5324C>T on transcript NM_006231.4 (MANE Select); coding-DNA position 5324, C replaced by T.
Protein change: p.Ala1775Val; replaces alanine 1775 with valine.
Molecular consequence: missense variant.
Genome position (GRCh38, 1-based): chr12:132,641,701, G>A on the plus strand (C>T on the coding strand, the complement: POLE is on the minus strand). VCF-style: chr12-132641701-G-A. GRCh37 (hg19) VCF-style: chr12-133218287-G-A.
Other names: short protein forms A1775V.
Identifiers: ClinVar variation 999741 (VCV000999741.9), dbSNP rs2042146111, ClinGen allele CA387375916.

ClinVar aggregate classification (germline): Uncertain significance (1 of 4 stars; one submission).

Submission:

Labcorp Genetics (formerly Invitae), Labcorp
Classification: Uncertain significance. Last evaluated: 2025-09-20. Review status: criteria provided, single submitter. Criteria: Invitae Variant Classification Sherloc (09022015). Collection method: clinical testing. Allele origin: germline.
Comment: This sequence change replaces alanine, which is neutral and non-polar, with valine, which is neutral and non-polar, at codon 1775 of the POLE protein (p.Ala1775Val). This variant is not present in population databases (gnomAD no frequency). This variant has not been reported in the literature in individuals affected with POLE-related conditions. ClinVar contains an entry for this variant (Variation ID: 999741). Invitae Evidence Modeling of protein sequence and biophysical properties (such as structural, functional, and spatial information, amino acid conservation, physicochemical variation, residue mobility, and thermodynamic stability) indicates that this missense variant is not expected to disrupt POLE protein function with a negative predictive value of 80%. In summary, the available evidence is currently insufficient to determine the role of this variant in disease. Therefore, it has been classified as a Variant of Uncertain Significance.